The following is an entry in ClinVar:

NM_181882.3(PRX):c.191A>G (p.Gln64Arg)

Gene: PRX (periaxin; minus strand). Cytogenetic location: 19q13.2.
Variant type: single nucleotide variant.
Coding change: c.191A>G on transcript NM_181882.3 (MANE Select); coding-DNA position 191, A replaced by G.
Protein change: p.Gln64Arg; replaces glutamine 64 with arginine.
Molecular consequence: missense variant.
Genome position (GRCh38, 1-based): chr19:40,398,810, T>C on the plus strand (A>G on the coding strand, the complement: PRX is on the minus strand). VCF-style: chr19-40398810-T-C. GRCh37 (hg19) VCF-style: chr19-40904717-T-C.
Other names: c.476A>G, p.Gln159Arg (NM_001411127.1); c.191A>G, p.Gln64Arg (NM_020956.2); short protein forms Q159R, Q64R.
Identifiers: ClinVar variation 1956752 (VCV001956752.5), dbSNP rs2514811278, ClinGen allele CA405901419.

ClinVar aggregate classification (germline): Uncertain significance (1 of 4 stars; one submission).

Conditions:
Charcot-Marie-Tooth disease type 4. Also called: Charcot-Marie-Tooth disease, type IV; Charcot-Marie-Tooth, Type 4. Identifiers: Orphanet 64749, MedGen C4082197, MONDO:0018995.

Submission:

Labcorp Genetics (formerly Invitae), Labcorp
Classification: Uncertain significance for Charcot-Marie-Tooth disease type 4. Last evaluated: 2024-12-16. Review status: criteria provided, single submitter. Criteria: Invitae Variant Classification Sherloc (09022015). Collection method: clinical testing. Allele origin: germline.
Comment: This sequence change replaces glutamine, which is neutral and polar, with arginine, which is basic and polar, at codon 64 of the PRX protein (p.Gln64Arg). This variant is not present in population databases (gnomAD no frequency). This variant has not been reported in the literature in individuals affected with PRX-related conditions. ClinVar contains an entry for this variant (Variation ID: 1956752). An algorithm developed to predict the effect of missense changes on protein structure and function (PolyPhen-2) suggests that this variant is likely to be tolerated. In summary, the available evidence is currently insufficient to determine the role of this variant in disease. Therefore, it has been classified as a Variant of Uncertain Significance.